The following is an entry in ClinVar:

ClinVar aggregate classification (germline): Uncertain significance (1 of 4 stars; one submission).

Submission:

Labcorp Genetics (formerly Invitae), Labcorp
Classification: Uncertain significance. Last evaluated: 2025-12-22. Review status: criteria provided, single submitter. Criteria: Invitae Variant Classification Sherloc (09022015). Collection method: clinical testing. Allele origin: germline.
Comment: This sequence change replaces glycine, which is neutral and non-polar, with aspartic acid, which is acidic and polar, at codon 657 of the CSF1R protein (p.Gly657Asp). This variant is present in population databases (no rsID available, gnomAD 0.0009%). This variant has not been reported in the literature in individuals affected with CSF1R-related conditions. ClinVar contains an entry for this variant (Variation ID: 1719086). An algorithm developed to predict the effect of missense changes on protein structure and function (PolyPhen-2) suggests that this variant is likely to be disruptive. In summary, the available evidence is currently insufficient to determine the role of this variant in disease. Therefore, it has been classified as a Variant of Uncertain Significance.

NM_001288705.3(CSF1R):c.1970G>A (p.Gly657Asp)

Gene: CSF1R (colony stimulating factor 1 receptor; minus strand). Cytogenetic location: 5q32.
Variant type: single nucleotide variant.
Coding change: c.1970G>A on transcript NM_001288705.3 (MANE Select); coding-DNA position 1970, G replaced by A.
Protein change: p.Gly657Asp; replaces glycine 657 with aspartic acid.
Molecular consequence: missense variant.
Genome position (GRCh38, 1-based): chr5:150,059,862, C>T on the plus strand (G>A on the coding strand, the complement: CSF1R is on the minus strand). VCF-style: chr5-150059862-C-T. GRCh37 (hg19) VCF-style: chr5-149439425-C-T.
Other names: c.1970G>A, p.Gly657Asp (NM_001349736.2, NM_001375320.1, NM_005211.4); c.1526G>A, p.Gly509Asp (NM_001375321.1); short protein forms G509D, G657D.
Identifiers: ClinVar variation 1719086 (VCV001719086.5), dbSNP rs1483961692, ClinGen allele CA361762396.